The following is an entry in ClinVar:

NM_000465.4(BARD1):c.1315-11del

Gene: BARD1 (BRCA1 associated RING domain 1; minus strand). Cytogenetic location: 2q35.
Variant type: Deletion.
Coding change: c.1315-11del on transcript NM_000465.4 (MANE Select); 11 bases into the intron before coding-DNA position 1315, one base deleted (C; older notation c.1315-11delC).
Molecular consequence: intron variant.
Genome position (GRCh38, 1-based): chr2:214,769,323, G deleted on the plus strand (C on the coding strand, the reverse complement: BARD1 is on the minus strand). VCF-style (leftmost placement, unchanged base first): chr2-214769322-TG-T. GRCh37 (hg19) VCF-style: chr2-215634046-TG-T.
Other names: c.1315-11del (LRG_297t1); c.159-16768del (NM_001282548.2); c.1258-11del (NM_001282543.2); c.216-16768del (NM_001282545.2); c.364+22974del (NM_001282549.2).
Identifiers: ClinVar variation 422701 (VCV000422701.14), dbSNP rs1064795946, ClinGen allele CA16617442.

ClinVar aggregate classification (germline): Likely benign. Review status: criteria provided, multiple submitters, no conflicts (2 of 4 stars). 5 submissions from 5 submitters: Likely benign (5). Last evaluated 2026-01-19.

Conditions:
Familial cancer of breast. Also called: Hereditary breast cancer; BREAST CANCER, FAMILIAL; hereditary breast carcinoma. Identifiers: Orphanet 227535, MedGen C0346153, MONDO:0016419, OMIM 114480. Disease mechanism: loss of function.
Hereditary cancer-predisposing syndrome. Also called: Hereditary neoplastic syndrome; Neoplastic Syndromes, Hereditary; Tumor predisposition; Hereditary Cancer Syndrome. Identifiers: Orphanet 140162, MedGen C0027672, MeSH D009386, MONDO:0015356.

Allele frequency attached by ClinVar (database versions not stated): gnomAD exomes below 0.00001 and 0.00001; gnomAD 0.00001.

Submissions (5):

Labcorp Genetics (formerly Invitae), Labcorp
Classification: Likely benign for Familial cancer of breast. Last evaluated: 2026-01-19. Review status: criteria provided, single submitter. Criteria: Invitae Variant Classification Sherloc (09022015). Collection method: clinical testing. Allele origin: germline.

Myriad Genetics, Inc.
Classification: Likely benign for Familial cancer of breast. Last evaluated: 2024-07-24. Review status: criteria provided, single submitter. Criteria: Myriad Autosomal Dominant, Autosomal Recessive and X-Linked Classification Criteria (2023). Collection method: clinical testing. Allele origin: unknown.
Comment: This variant is considered likely benign. This variant is intronic and is not expected to impact mRNA splicing.

Department of Pathology and Laboratory Medicine, Sinai Health System
Classification: Likely benign for Familial cancer of breast. Last evaluated: 2021-04-12. Review status: criteria provided, single submitter. Criteria: ACMG Guidelines, 2015. Collection method: clinical testing. Allele origin: germline. Affected: yes.

Color Diagnostics, LLC DBA Color Health
Classification: Likely benign for Hereditary cancer-predisposing syndrome. Last evaluated: 2018-02-06. Review status: criteria provided, single submitter. Criteria: ACMG Guidelines, 2015. Collection method: clinical testing. Allele origin: germline.

GeneDx
Classification: Likely benign. Last evaluated: 2018-01-11. Review status: criteria provided, single submitter. Criteria: GeneDx Variant Classification (06012015). Collection method: clinical testing. Allele origin: germline. Affected: yes.
Comment: This variant is considered likely benign or benign based on one or more of the following criteria: it is a conservative change, it occurs at a poorly conserved position in the protein, it is predicted to be benign by multiple in silico algorithms, and/or has population frequency not consistent with disease.